The following is an entry in ClinVar:

NM_002206.3(ITGA7):c.1064T>C (p.Val355Ala)

Gene: ITGA7 (integrin subunit alpha 7; minus strand). Cytogenetic location: 12q13.2.
Variant type: single nucleotide variant.
Coding change: c.1064T>C on transcript NM_002206.3 (MANE Select); coding-DNA position 1064, T replaced by C.
Protein change: p.Val355Ala; replaces valine 355 with alanine.
Molecular consequence: missense variant. On other transcripts: 5 prime UTR variant (1).
Genome position (GRCh38, 1-based): chr12:55,698,511, A>G on the plus strand (T>C on the coding strand, the complement: ITGA7 is on the minus strand). VCF-style: chr12-55698511-A-G. GRCh37 (hg19) VCF-style: chr12-56092295-A-G.
Other names: c.1076T>C, p.Val359Ala (NM_001144996.2, NM_001414029.1, NM_001414030.1); c.785T>C, p.Val262Ala (NM_001144997.2); c.737T>C, p.Val246Ala (NM_001367993.1); c.-229T>C (NM_001367994.1); c.1064T>C, p.Val355Ala (NM_001374465.1, NM_001414031.1, NM_001414034.1); c.1196T>C, p.Val399Ala (NM_001410977.1); c.944T>C, p.Val315Ala (NM_001414032.1); c.881T>C, p.Val294Ala (NM_001414033.1); and 1 more; short protein forms V246A, V359A, V262A, V355A, V399A, V315A, V294A, V242A.
Identifiers: ClinVar variation 652549 (VCV000652549.9), dbSNP rs1476977532, ClinGen allele CA385190368.
Genomic context (GRCh38, chr12:55,698,511, plus strand): 5'-CCGCAGAGCCGGAGAGGGGAGATCCCAGCCCAGTGACCCCCCTGGTTCAAGTACACATAC[A>G]CAGCACCCCCCAGCTCTTCTTGGCGCTCAAAGAAGTAGGGGGCACCCACTATCAGGTCTG-3'
Protein context (NP_002197.2, residues 345-365): FERQEELGGA[Val355Ala]YVYLNQGGHW

ClinVar aggregate classification (germline): Uncertain significance. Review status: criteria provided, multiple submitters, no conflicts (2 of 4 stars). 2 submissions from 2 submitters: Uncertain significance (2). Last evaluated 2024-09-25.

Conditions:
Congenital muscular dystrophy due to integrin alpha-7 deficiency. Also called: Congenital muscular dystrophy with integrin alpha-7 deficiency; Muscular dystrophy, congenital, due to ITGA7 deficiency; MYOPATHY, CONGENITAL, DUE TO INTEGRIN ALPHA-7 DEFICIENCY. Identifiers: Orphanet 34520, MedGen C2750786, MONDO:0013177, OMIM 613204.

Allele frequency attached by ClinVar (database versions not stated): TOPMed below 0.00001; gnomAD 0.00001.
gnomAD v4.1: 1 of 1,613,930 alleles (0.000062%); highest among the groups gnomAD compares: African/African-American, 0.0013%; no homozygotes.

Submissions (2):

Revvity Omics, Revvity
Classification: Uncertain significance for Congenital muscular dystrophy due to integrin alpha-7 deficiency. Last evaluated: 2024-09-25. Review status: criteria provided, single submitter. Criteria: ACMG Guidelines, 2015. Collection method: clinical testing. Allele origin: germline.

Labcorp Genetics (formerly Invitae), Labcorp
Classification: Uncertain significance for Congenital muscular dystrophy due to integrin alpha-7 deficiency. Last evaluated: 2022-06-13. Review status: criteria provided, single submitter. Criteria: Invitae Variant Classification Sherloc (09022015). Collection method: clinical testing. Allele origin: germline.
Comment: In summary, the available evidence is currently insufficient to determine the role of this variant in disease. Therefore, it has been classified as a Variant of Uncertain Significance. Algorithms developed to predict the effect of missense changes on protein structure and function are either unavailable or do not agree on the potential impact of this missense change (SIFT: "Deleterious"; PolyPhen-2: "Benign"; Align-GVGD: "Class C0"). ClinVar contains an entry for this variant (Variation ID: 652549). This variant has not been reported in the literature in individuals affected with ITGA7-related conditions. This variant is not present in population databases (gnomAD no frequency). This sequence change replaces valine, which is neutral and non-polar, with alanine, which is neutral and non-polar, at codon 355 of the ITGA7 protein (p.Val355Ala).